The following is an entry in ClinVar:

ClinVar aggregate classification (germline): Likely benign (0 of 4 stars; one submission).

Conditions:
ILDR1-related disorder. Also called: ILDR1-related condition.

Submission:

PreventionGenetics, part of Exact Sciences
Classification: Likely benign for ILDR1-related condition. Last evaluated: 2020-07-24. Review status: no assertion criteria provided. Collection method: clinical testing. Allele origin: germline.
Comment: This variant is classified as likely benign based on ACMG/AMP sequence variant interpretation guidelines (Richards et al. 2015 PMID: 25741868, with internal and published modifications).

NM_001199799.2(ILDR1):c.1434C>G (p.Ser478=)

Gene: ILDR1 (immunoglobulin like domain containing receptor 1; minus strand). Cytogenetic location: 3q13.33.
Variant type: single nucleotide variant.
Coding change: c.1434C>G on transcript NM_001199799.2 (MANE Select); coding-DNA position 1434, C replaced by G.
Protein change: p.Ser478=; no amino-acid change (serine 478 retained).
Molecular consequence: synonymous variant.
Genome position (GRCh38, 1-based): chr3:121,993,315, G>C on the plus strand (C>G on the coding strand, the complement: ILDR1 is on the minus strand). VCF-style: chr3-121993315-G-C. GRCh37 (hg19) VCF-style: chr3-121712162-G-C.
Other names: c.1167C>G, p.Ser389= (NM_001199800.2); c.1302C>G, p.Ser434= (NM_175924.4).
Identifiers: ClinVar variation 3036563 (VCV003036563.2), dbSNP rs2472800264, ClinGen allele CA435423733.